The following is an entry in ClinVar:

NM_020806.5(GPHN):c.685G>A (p.Asp229Asn)

Gene: GPHN (gephyrin; plus strand). Cytogenetic location: 14q23.3.
Variant type: single nucleotide variant.
Coding change: c.685G>A on transcript NM_020806.5 (MANE Select); coding-DNA position 685, G replaced by A.
Protein change: p.Asp229Asn; replaces aspartic acid 229 with asparagine.
Molecular consequence: missense variant.
Genome position (GRCh38, 1-based): chr14:66,922,894, G>A. VCF-style: chr14-66922894-G-A. GRCh37 (hg19) VCF-style: chr14-67389611-G-A.
Other names: c.685G>A, p.Asp229Asn (NM_001024218.2, NM_001377515.1, NM_001377516.1 and 2 more transcripts); c.724G>A, p.Asp242Asn (NM_001377514.1, NM_001377519.1); short protein forms D229N, D242N.
Identifiers: ClinVar variation 836564 (VCV000836564.7), dbSNP rs761111433, ClinGen allele CA7233796.

ClinVar aggregate classification (germline): Uncertain significance (1 of 4 stars; one submission).

Conditions:
Sulfite oxidase deficiency due to molybdenum cofactor deficiency type C. Also called: Molybdenum cofactor deficiency, complementation group C; Molybdenum cofactor deficiency C. Identifiers: Orphanet 308400, Orphanet 833, MedGen C1854990, MONDO:0014212, OMIM 615501.

Allele frequency attached by ClinVar (database versions not stated): TOPMed below 0.00001; gnomAD 0.00001; gnomAD exomes 0.00001 and 0.00002; ExAC 0.00002.

Submission:

Labcorp Genetics (formerly Invitae), Labcorp
Classification: Uncertain significance for Sulfite oxidase deficiency due to molybdenum cofactor deficiency type C. Last evaluated: 2025-05-11. Review status: criteria provided, single submitter. Criteria: Invitae Variant Classification Sherloc (09022015). Collection method: clinical testing. Allele origin: germline.
Comment: This sequence change replaces aspartic acid, which is acidic and polar, with asparagine, which is neutral and polar, at codon 229 of the GPHN protein (p.Asp229Asn). This variant is present in population databases (rs761111433, gnomAD 0.005%). This variant has not been reported in the literature in individuals affected with GPHN-related conditions. ClinVar contains an entry for this variant (Variation ID: 836564). Invitae Evidence Modeling of protein sequence and biophysical properties (such as structural, functional, and spatial information, amino acid conservation, physicochemical variation, residue mobility, and thermodynamic stability) indicates that this missense variant is not expected to disrupt GPHN protein function with a negative predictive value of 80%. In summary, the available evidence is currently insufficient to determine the role of this variant in disease. Therefore, it has been classified as a Variant of Uncertain Significance.